The following is an entry in ClinVar:

ClinVar aggregate classification (germline): Likely benign (1 of 4 stars; one submission).

Conditions:
MIAT-related disorder. Also called: MIAT-related condition.

gnomAD v4.1: 3 of 398,206 alleles (0.00075%); highest among the groups gnomAD compares: Non-Finnish European, 0.0013%; no homozygotes.

Submission:

PreventionGenetics, part of Exact Sciences
Classification: Likely benign for MIAT-related condition. Last evaluated: 2026-09-09. Review status: criteria provided, single submitter. Criteria: ACMG Guidelines, 2015. Collection method: clinical testing. Allele origin: germline.
Comment: This variant is classified as likely benign based on ACMG/AMP sequence variant interpretation guidelines (Richards et al. 2015 PMID: 25741868, with internal and published modifications).

NR_033320.3(MIAT):n.4552G>A

Gene: MIAT (myocardial infarction associated transcript; plus strand). Cytogenetic location: 22q12.1.
Variant type: single nucleotide variant.
Molecular consequence: non-coding transcript variant (on NR_033320.3).
Genome position: GRCh38 VCF-style: chr22-26671026-G-A. GRCh37 (hg19) VCF-style: chr22-27066989-G-A.
Identifiers: ClinVar variation 4981074 (VCV004981074.1).
Genomic context (GRCh38, chr22:26,671,026, plus strand): 5'-TTTTTTTTCTAATGGTGGGAGGGCAGGCCAATAGTTGGAGAAACTAGAGGCCTGACAGTC[G>A]GTGATGGAAGAGATGTCTACTAAGCACGGTTGTCAGATCTTTTGCGGAGAGATGCGGGTG-3'